The following is an entry in ClinVar:

ClinVar aggregate classification (germline): Likely benign. Review status: criteria provided, single submitter (1 of 4 stars). 2 submissions from 2 submitters: Likely benign (1). 1 of the submissions does not count toward it. Last evaluated 2021-06-25.

Conditions:
Cardiovascular phenotype. Identifiers: MedGen CN230736.
Familial cardiomyopathy. Identifiers: MedGen C0264789, MONDO:0005217.

Submissions (2):

Ambry Genetics
Classification: Likely benign for Cardiovascular phenotype. Last evaluated: 2021-06-25. Review status: criteria provided, single submitter. Criteria: Ambry Variant Classification Scheme 2023. Collection method: clinical testing. Allele origin: germline.

Evolutionary and Medical Genetics Laboratory,  Centre for Cellular and Molecular Biology
Classification: Uncertain significance. Review status: no assertion criteria provided. Collection method: not provided. Allele origin: unknown. Not counted in ClinVar's aggregate classification.
Comment: Synonymous
ClinVar note: Converted during submission from unknown to Uncertain significance.

NM_000257.4(MYH7):c.2496C>T (p.Leu832=)

Genes: MYH7 (myosin heavy chain 7; minus strand), LOC126861898 (BRD4-independent group 4 enhancer GRCh37_chr14:23893609-23894808; plus strand). Cytogenetic location: 14q11.2.
Variant type: single nucleotide variant.
Coding change: c.2496C>T on transcript NM_000257.4 (MANE Select); coding-DNA position 2496, C replaced by T.
Protein change: p.Leu832=; no amino-acid change (leucine 832 retained).
Molecular consequence: synonymous variant.
Genome position (GRCh38, 1-based): chr14:23,424,952, G>A on the plus strand (C>T on the coding strand, the complement: MYH7 is on the minus strand). VCF-style: chr14-23424952-G-A. GRCh37 (hg19) VCF-style: chr14-23894161-G-A.
Other names: L832L.
Identifiers: ClinVar variation 132909 (VCV000132909.4), dbSNP rs606231339, ClinGen allele CA012469.